The following is an entry in ClinVar:

ClinVar aggregate classification (germline): Likely benign. Review status: criteria provided, multiple submitters, no conflicts (2 of 4 stars). 5 submissions from 5 submitters: Likely benign (4). 1 of the submissions does not count toward it. Last evaluated 2026-01-14.

Conditions:
LYST-related disorder. Also called: LYST-related condition.
Chédiak-Higashi syndrome (CHS). Also called: Chediak-Higashi Syndrome. Identifiers: Orphanet 167, MedGen C0007965, MONDO:0008963, OMIM 214500.
Inborn genetic diseases. Identifiers: MedGen C0950123, MeSH D030342.

Allele frequency attached by ClinVar (database versions not stated): gnomAD 0.00003 and 0.00030; TOPMed 0.00003; gnomAD exomes 0.00045 and 0.00091; ExAC 0.00110; 1000 Genomes Project 30x 0.00203; 1000 Genomes Project 0.00240.
gnomAD v4.1: 710 of 1,613,686 alleles (0.044%); highest among the groups gnomAD compares: South Asian, 0.73%; 7 homozygotes.

Submissions (5):

Labcorp Genetics (formerly Invitae), Labcorp
Classification: Likely benign for Chédiak-Higashi syndrome. Last evaluated: 2026-01-14. Review status: criteria provided, single submitter. Criteria: Invitae Variant Classification Sherloc (09022015). Collection method: clinical testing. Allele origin: germline.

Blueprint Genetics
Classification: Likely benign. Last evaluated: 2024-11-18. Review status: criteria provided, single submitter. Criteria: ACMG Guidelines, 2015. Collection method: clinical testing. Allele origin: germline.

Ambry Genetics
Classification: Likely benign for Inborn genetic diseases. Last evaluated: 2024-09-11. Review status: criteria provided, single submitter. Criteria: Ambry Variant Classification Scheme 2023. Collection method: clinical testing. Allele origin: germline.

Illumina Laboratory Services, Illumina
Classification: Likely benign for Chédiak-Higashi syndrome. Last evaluated: 2018-01-13. Review status: criteria provided, single submitter. Criteria: ICSL Variant Classification Criteria 13 December 2019. Collection method: clinical testing. Allele origin: germline.
Comment: This variant was observed in the ICSL laboratory as part of a predisposition screen in an ostensibly healthy population. It had not been previously curated by ICSL or reported in the Human Gene Mutation Database (HGMD: prior to June 1st, 2018), and was therefore a candidate for classification through an automated scoring system. Utilizing variant allele frequency, disease prevalence and penetrance estimates, and inheritance mode, an automated score was calculated to assess if this variant is too frequent to cause the disease. Based on the score and internal cut-off values, a variant classified as likely benign is not then subjected to further curation. The score for this variant resulted in a classification of likely benign for this disease.

PreventionGenetics, part of Exact Sciences
Classification: Likely benign for LYST-related condition. Last evaluated: 2023-12-05. Review status: no assertion criteria provided. Collection method: clinical testing. Allele origin: germline. Not counted in ClinVar's aggregate classification.
Comment: This variant is classified as likely benign based on ACMG/AMP sequence variant interpretation guidelines (Richards et al. 2015 PMID: 25741868, with internal and published modifications).

NM_000081.4(LYST):c.8497G>A (p.Ala2833Thr)

Gene: LYST (lysosomal trafficking regulator; minus strand). Cytogenetic location: 1q42.3.
Variant type: single nucleotide variant.
Coding change: c.8497G>A on transcript NM_000081.4 (MANE Select); coding-DNA position 8497, G replaced by A.
Protein change: p.Ala2833Thr; replaces alanine 2833 with threonine.
Molecular consequence: missense variant.
Genome position (GRCh38, 1-based): chr1:235,734,521, C>T on the plus strand (G>A on the coding strand, the complement: LYST is on the minus strand). VCF-style: chr1-235734521-C-T. GRCh37 (hg19) VCF-style: chr1-235897821-C-T.
Other names: c.8497G>A (NM_000081.2); c.8497G>A, p.Ala2833Thr (NM_001301365.1); short protein forms A2833T.
Identifiers: ClinVar variation 525191 (VCV000525191.17), dbSNP rs200813210, ClinGen allele CA1465850.
Genomic context (GRCh38, chr1:235,734,521, plus strand): 5'-TACTATGGTTTCATTGACTCACCTCTTTGATCATTTTAATAAGGTCTGCTTTTGTTGATG[C>T]ACTGGGAGGGATGCACTTGTGACCACATAACTTCAAAGCATTCATAAGCAGTTCTGCTGT-3'
Protein context (NP_000072.2, residues 2823-2843): LCGHKCIPPS[Ala2833Thr]STKADLIKMI